The following is an entry in ClinVar:

ClinVar aggregate classification (germline): Uncertain significance (1 of 4 stars; one submission).

Conditions:
MOGS-congenital disorder of glycosylation. Also called: MOGS-CDG; CDG IIb; GLUCOSIDASE I DEFICIENCY; CDG 2B. Identifiers: Orphanet 79330, MedGen C1853736, MONDO:0011629, OMIM 606056.

Allele frequency attached by ClinVar (database versions not stated): ExAC 0.00002; TOPMed 0.00003; gnomAD 0.00006.

Submission:

Labcorp Genetics (formerly Invitae), Labcorp
Classification: Uncertain significance for MOGS-congenital disorder of glycosylation. Last evaluated: 2020-10-28. Review status: criteria provided, single submitter. Criteria: Invitae Variant Classification Sherloc (09022015). Collection method: clinical testing. Allele origin: germline.
Comment: Algorithms developed to predict the effect of missense changes on protein structure and function (SIFT, PolyPhen-2, Align-GVGD) all suggest that this variant is likely to be disruptive, but these predictions have not been confirmed by published functional studies and their clinical significance is uncertain. This variant has not been reported in the literature in individuals with MOGS-related disease. This variant is present in population databases (rs776830090, ExAC 0.03%). This sequence change replaces arginine with cysteine at codon 371 of the MOGS protein (p.Arg371Cys). The arginine residue is moderately conserved and there is a large physicochemical difference between arginine and cysteine. In summary, the available evidence is currently insufficient to determine the role of this variant in disease. Therefore, it has been classified as a Variant of Uncertain Significance.

NM_006302.3(MOGS):c.1111C>T (p.Arg371Cys)

Gene: MOGS (mannosyl-oligosaccharide glucosidase; minus strand). Cytogenetic location: 2p13.1.
Variant type: single nucleotide variant.
Coding change: c.1111C>T on transcript NM_006302.3 (MANE Select); coding-DNA position 1111, C replaced by T.
Protein change: p.Arg371Cys; replaces arginine 371 with cysteine.
Molecular consequence: missense variant.
Genome position (GRCh38, 1-based): chr2:74,462,678, G>A on the plus strand (C>T on the coding strand, the complement: MOGS is on the minus strand). VCF-style: chr2-74462678-G-A. GRCh37 (hg19) VCF-style: chr2-74689805-G-A.
Other names: c.1111C>T, p.Arg371Cys (LRG_1226t1); c.793C>T, p.Arg265Cys (NM_001146158.2); short protein forms R371C, R265C.
Identifiers: ClinVar variation 569488 (VCV000569488.6), dbSNP rs776830090, ClinGen allele CA1724849.